The following is an entry in ClinVar:

NM_032620.4(GTPBP3):c.743C>G (p.Ser248Ter)

Gene: GTPBP3 (GTP binding protein 3, mitochondrial; plus strand). Cytogenetic location: 19p13.11.
Variant type: single nucleotide variant.
Coding change: c.743C>G on transcript NM_032620.4 (MANE Select); coding-DNA position 743, C replaced by G.
Protein change: p.Ser248Ter; replaces serine 248 with a stop codon.
Molecular consequence: nonsense.
Genome position (GRCh38, 1-based): chr19:17,339,201, C>G. VCF-style: chr19-17339201-C-G. GRCh37 (hg19) VCF-style: chr19-17450010-C-G.
Other names: c.743C>G, p.Ser248Ter (NM_001128855.3); c.809C>G, p.Ser270Ter (NM_001195422.1); c.839C>G, p.Ser280Ter (NM_133644.4); short protein forms S248*, S270*, S280*.
Identifiers: ClinVar variation 2854781 (VCV002854781.3), dbSNP rs2074401700, ClinGen allele CA404736901.

ClinVar aggregate classification (germline): Pathogenic (1 of 4 stars; one submission).

Allele frequency attached by ClinVar (database versions not stated): TOPMed below 0.00001.

Submission:

Labcorp Genetics (formerly Invitae), Labcorp
Classification: Pathogenic. Last evaluated: 2023-04-10. Review status: criteria provided, single submitter. Criteria: Invitae Variant Classification Sherloc (09022015). Collection method: clinical testing. Allele origin: germline.
Comment: This sequence change creates a premature translational stop signal (p.Ser280*) in the GTPBP3 gene. It is expected to result in an absent or disrupted protein product. Loss-of-function variants in GTPBP3 are known to be pathogenic (PMID: 25434004). This variant is not present in population databases (gnomAD no frequency). This variant has not been reported in the literature in individuals affected with GTPBP3-related conditions. For these reasons, this variant has been classified as Pathogenic.

Literature cited by the submitters: PubMed 25434004.